The following is an entry in ClinVar:

NM_015102.5(NPHP4):c.4106C>G (p.Pro1369Arg)

Gene: NPHP4 (nephrocystin 4; minus strand). Cytogenetic location: 1p36.31.
Variant type: single nucleotide variant.
Coding change: c.4106C>G on transcript NM_015102.5 (MANE Select); coding-DNA position 4106, C replaced by G.
Protein change: p.Pro1369Arg; replaces proline 1369 with arginine.
Molecular consequence: missense variant. On other transcripts: non-coding transcript variant (1).
Genome position (GRCh38, 1-based): chr1:5,863,924, G>C on the plus strand (C>G on the coding strand, the complement: NPHP4 is on the minus strand). VCF-style: chr1-5863924-G-C. GRCh37 (hg19) VCF-style: chr1-5923984-G-C.
Other names: c.2567C>G, p.Pro856Arg (NM_001291593.2); c.2570C>G, p.Pro857Arg (NM_001291594.2); short protein forms P1369R, P857R, P856R.
Identifiers: ClinVar variation 4986714 (VCV004986714.1).
Genomic context (GRCh38, chr1:5,863,924, plus strand): 5'-GAGTCCCAGGCACAGCCCCACCACACCTGGAAGGAGTCCTCTCTGAACCGCAGCAGCTCC[G>C]GGTGGTCGCTGTGCAGGTGGAATGTCCTCCGGGAGGGGTAGGGGTTGGTGTAGGTGATCC-3'
Protein context (NP_055917.1, residues 1359-1379): RRTFHLHSDH[Pro1369Arg]ELLRFREDSF

ClinVar aggregate classification (germline): Uncertain significance (1 of 4 stars; one submission).

Conditions:
NPHP4-related disorder. Also called: NPHP4-related condition; NPHP4-related disorders. Identifiers: MedGen CN239384.

gnomAD v4.1: 3 of 1,613,750 alleles (0.00019%); highest among the groups gnomAD compares: Non-Finnish European, 0.00025%; no homozygotes.

Submission:

PreventionGenetics, part of Exact Sciences
Classification: Uncertain significance for NPHP4-related condition. Last evaluated: 2025-07-31. Review status: criteria provided, single submitter. Criteria: ACMG Guidelines, 2015. Collection method: clinical testing. Allele origin: germline.
Comment: The NPHP4 c.4106C>G variant is predicted to result in the amino acid substitution p.Pro1369Arg. To our knowledge, this variant has not been reported in the literature or in a large population database (gnomAD), indicating this variant is rare. At this time, the clinical significance of this variant is uncertain due to the absence of conclusive functional and genetic evidence.